The following is an entry in ClinVar:

NM_001972.4(ELANE):c.440A>G (p.Asn147Ser)

Gene: ELANE (elastase, neutrophil expressed; plus strand). Cytogenetic location: 19p13.3.
Variant type: single nucleotide variant.
Coding change: c.440A>G on transcript NM_001972.4 (MANE Select); coding-DNA position 440, A replaced by G.
Protein change: p.Asn147Ser; replaces asparagine 147 with serine.
Molecular consequence: missense variant.
Genome position (GRCh38, 1-based): chr19:855,637, A>G. VCF-style: chr19-855637-A-G. GRCh37 (hg19) VCF-style: chr19-855637-A-G.
Other names: short protein forms N147S.
Identifiers: ClinVar variation 3844313 (VCV003844313.1).
Genomic context (GRCh38, chr19:855,637, plus strand): 5'-CCACCATCAACGCCAACGTGCAGGTGGCCCAGCTGCCGGCTCAGGGACGCCGCCTGGGCA[A>G]CGGGGTGCAGTGCCTGGCCATGGGCTGGGGCCTTCTGGGCAGGAACCGTGGGATCGCCAG-3'
Protein context (NP_001963.1, residues 137-157): QLPAQGRRLG[Asn147Ser]GVQCLAMGWG

ClinVar aggregate classification (germline): Uncertain significance (1 of 4 stars; one submission).

Conditions:
Inborn genetic diseases. Identifiers: MedGen C0950123, MeSH D030342.

Submission:

Ambry Genetics
Classification: Uncertain significance for Inborn genetic diseases. Last evaluated: 2025-02-03. Review status: criteria provided, single submitter. Criteria: Ambry Variant Classification Scheme 2023. Collection method: clinical testing. Allele origin: germline.
Comment: The p.N147S variant (also known as c.440A>G), located in coding exon 4 of the ELANE gene, results from an A to G substitution at nucleotide position 440. The asparagine at codon 147 is replaced by serine, an amino acid with highly similar properties. This amino acid position is conserved. In addition, this alteration is predicted to be tolerated by in silico analysis. Based on the available evidence, the clinical significance of this variant remains unclear.